The following is an entry in ClinVar:

ClinVar aggregate classification (germline): Uncertain significance (1 of 4 stars; one submission).

Conditions:
Marfan syndrome (MFS). Also called: MARFAN SYNDROME, TYPE I; Marfan syndrome type 1; Marfan's syndrome; Marfan syndrome, classic; FBN1-Related Marfan Syndrome. Identifiers: Orphanet 284963, Orphanet 558, MedGen C0024796, MONDO:0007947, OMIM 154700.
Familial thoracic aortic aneurysm and aortic dissection (TAAD). Also called: Thoracic aortic aneurysms and dissections. Identifiers: Orphanet 91387, MedGen C4707243, MONDO:0019625.

Submission:

Labcorp Genetics (formerly Invitae), Labcorp
Classification: Uncertain significance for Marfan syndrome; Familial thoracic aortic aneurysm and aortic dissection. Last evaluated: 2022-11-24. Review status: criteria provided, single submitter. Criteria: Invitae Variant Classification Sherloc (09022015). Collection method: clinical testing. Allele origin: germline.
Comment: Advanced modeling of protein sequence and biophysical properties (such as structural, functional, and spatial information, amino acid conservation, physicochemical variation, residue mobility, and thermodynamic stability) has been performed at Invitae for this missense variant, however the output from this modeling did not meet the statistical confidence thresholds required to predict the impact of this variant on FBN1 protein function. In summary, the available evidence is currently insufficient to determine the role of this variant in disease. Therefore, it has been classified as a Variant of Uncertain Significance. This variant has not been reported in the literature in individuals affected with FBN1-related conditions. This variant is not present in population databases (gnomAD no frequency). This sequence change replaces isoleucine, which is neutral and non-polar, with serine, which is neutral and polar, at codon 1600 of the FBN1 protein (p.Ile1600Ser).

NM_000138.5(FBN1):c.4799T>G (p.Ile1600Ser)

Gene: FBN1 (fibrillin 1; minus strand). Cytogenetic location: 15q21.1.
Variant type: single nucleotide variant.
Coding change: c.4799T>G on transcript NM_000138.5 (MANE Select); coding-DNA position 4799, T replaced by G.
Protein change: p.Ile1600Ser; replaces isoleucine 1600 with serine.
Molecular consequence: missense variant.
Genome position (GRCh38, 1-based): chr15:48,465,807, A>C on the plus strand (T>G on the coding strand, the complement: FBN1 is on the minus strand). VCF-style: chr15-48465807-A-C. GRCh37 (hg19) VCF-style: chr15-48758004-A-C.
Other names: c.4799T>G, p.Ile1600Ser (NM_001406716.1); short protein forms I1600S.
Identifiers: ClinVar variation 2941827 (VCV002941827.3), dbSNP rs2505497645, ClinGen allele CA392351618.